The following is an entry in ClinVar:

ClinVar aggregate classification (germline): Uncertain significance (1 of 4 stars; one submission).

Submission:

Labcorp Genetics (formerly Invitae), Labcorp
Classification: Uncertain significance. Last evaluated: 2022-11-04. Review status: criteria provided, single submitter. Criteria: Invitae Variant Classification Sherloc (09022015). Collection method: clinical testing. Allele origin: germline.
Comment: This variant has not been reported in the literature in individuals affected with COL9A2-related conditions. This variant is not present in population databases (gnomAD no frequency). This sequence change replaces lysine, which is basic and polar, with glutamine, which is neutral and polar, at codon 545 of the COL9A2 protein (p.Lys545Gln). Advanced modeling of protein sequence and biophysical properties (such as structural, functional, and spatial information, amino acid conservation, physicochemical variation, residue mobility, and thermodynamic stability) performed at Invitae indicates that this missense variant is not expected to disrupt COL9A2 protein function. In summary, the available evidence is currently insufficient to determine the role of this variant in disease. Therefore, it has been classified as a Variant of Uncertain Significance.

NM_001852.4(COL9A2):c.1633A>C (p.Lys545Gln)

Gene: COL9A2 (collagen type IX alpha 2 chain; minus strand). Cytogenetic location: 1p34.2.
Variant type: single nucleotide variant.
Coding change: c.1633A>C on transcript NM_001852.4 (MANE Select); coding-DNA position 1633, A replaced by C.
Protein change: p.Lys545Gln; replaces lysine 545 with glutamine.
Molecular consequence: missense variant.
Genome position (GRCh38, 1-based): chr1:40,302,780, T>G on the plus strand (A>C on the coding strand, the complement: COL9A2 is on the minus strand). VCF-style: chr1-40302780-T-G. GRCh37 (hg19) VCF-style: chr1-40768452-T-G.
Other names: short protein forms K545Q.
Identifiers: ClinVar variation 2800946 (VCV002800946.3), dbSNP rs2522479473, ClinGen allele CA339876890.